The following is an entry in ClinVar:

NM_000271.5(NPC1):c.2126A>C (p.Tyr709Ser)

Gene: NPC1 (NPC intracellular cholesterol transporter 1; minus strand). Cytogenetic location: 18q11.2.
Variant type: single nucleotide variant.
Coding change: c.2126A>C on transcript NM_000271.5 (MANE Select); coding-DNA position 2126, A replaced by C.
Protein change: p.Tyr709Ser; replaces tyrosine 709 with serine.
Molecular consequence: missense variant.
Genome position (GRCh38, 1-based): chr18:23,544,348, T>G on the plus strand (A>C on the coding strand, the complement: NPC1 is on the minus strand). VCF-style: chr18-23544348-T-G. GRCh37 (hg19) VCF-style: chr18-21124312-T-G.
Other names: short protein forms Y709S.
Identifiers: ClinVar variation 2170083 (VCV002170083.1), dbSNP rs769516923, ClinGen allele CA401771253.

ClinVar aggregate classification (germline): Uncertain significance (1 of 4 stars; one submission).

Conditions:
Niemann-Pick disease, type C1. Also called: NEUROVISCERAL STORAGE DISEASE WITH VERTICAL SUPRANUCLEAR OPHTHALMOPLEGIA; NIEMANN-PICK DISEASE WITH CHOLESTEROL ESTERIFICATION BLOCK; NIEMANN-PICK DISEASE WITHOUT SPHINGOMYELINASE DEFICIENCY; NIEMANN-PICK DISEASE, CHRONIC NEURONOPATHIC FORM; NIEMANN-PICK DISEASE, VARIANT TYPE C1. Identifiers: Orphanet 646, MedGen C3179455, MONDO:0009757, OMIM 257220.

Submission:

Labcorp Genetics (formerly Invitae), Labcorp
Classification: Uncertain significance for Niemann-Pick disease, type C1. Last evaluated: 2022-09-01. Review status: criteria provided, single submitter. Criteria: Invitae Variant Classification Sherloc (09022015). Collection method: clinical testing. Allele origin: germline.
Comment: This sequence change replaces tyrosine, which is neutral and polar, with serine, which is neutral and polar, at codon 709 of the NPC1 protein (p.Tyr709Ser). This variant is not present in population databases (gnomAD no frequency). This variant has not been reported in the literature in individuals affected with NPC1-related conditions. Advanced modeling of protein sequence and biophysical properties (such as structural, functional, and spatial information, amino acid conservation, physicochemical variation, residue mobility, and thermodynamic stability) performed at Invitae indicates that this missense variant is expected to disrupt NPC1 protein function. In summary, the available evidence is currently insufficient to determine the role of this variant in disease. Therefore, it has been classified as a Variant of Uncertain Significance.